The following is an entry in ClinVar:

NM_004360.5(CDH1):c.49-3C>A

Gene: CDH1 (cadherin 1; plus strand). Cytogenetic location: 16q22.1.
Variant type: single nucleotide variant.
Coding change: c.49-3C>A on transcript NM_004360.5 (MANE Select); 3 bases into the intron before coding-DNA position 49, C replaced by A.
Molecular consequence: intron variant.
Genome position (GRCh38, 1-based): chr16:68,738,294, C>A. VCF-style: chr16-68738294-C-A. GRCh37 (hg19) VCF-style: chr16-68772197-C-A.
Other names: c.49-3C>A (LRG_301t1, NM_001317184.2); c.-1567-3C>A (NM_001317185.2); c.-1771-3C>A (NM_001317186.2).
Identifiers: ClinVar variation 421050 (VCV000421050.25), dbSNP rs587782366, ClinGen allele CA16620228.

ClinVar aggregate classification (germline): Uncertain significance. Review status: reviewed by expert panel (3 of 4 stars). 6 submissions from 6 submitters: Uncertain significance (1). 5 of the submissions do not count toward it. Last evaluated 2023-08-21.

Conditions:
CDH1-related diffuse gastric and lobular breast cancer syndrome. Also called: CDH1-related diffuse gastric and lobular breast cancer. Identifiers: MedGen CN311521, MONDO:0100488.
Hereditary cancer-predisposing syndrome. Also called: Hereditary neoplastic syndrome; Hereditary Cancer Syndrome; Neoplastic Syndromes, Hereditary; Tumor predisposition. Identifiers: Orphanet 140162, MedGen C0027672, MeSH D009386, MONDO:0015356.
Hereditary diffuse gastric adenocarcinoma (HDGC). Also called: DIFFUSE GASTRIC AND LOBULAR BREAST CANCER SYNDROME. Identifiers: Orphanet 26106, MedGen C1708349, MONDO:0007648, OMIM 137215.
Familial cancer of breast. Also called: hereditary breast carcinoma; Hereditary breast cancer; BREAST CANCER, FAMILIAL. Identifiers: Orphanet 227535, MedGen C0346153, MONDO:0016419, OMIM 114480. Disease mechanism: loss of function.

Allele frequency attached by ClinVar (database versions not stated): TOPMed 0.00001.

Submissions (6):

Clingen Gastric Cancer Variant Curation Expert Panel
Classification: Uncertain significance for CDH1-related diffuse gastric and lobular breast cancer syndrome. Last evaluated: 2023-08-21. Review status: reviewed by expert panel. Criteria: ClinGen CDH1 ACMG Specifications V3.1. Collection method: curation. Allele origin: germline. Inheritance: Autosomal dominant inheritance.
Comment: The c.49-3C>A variant has been observed in at least three individuals without DGC, SRC tumours or LBC and whose families do not suggest HDGC (BS2_supporting; SCV000822625.1, SCV000570129.4, SCV000665064.2). In summary, the clinical significance of this variant is uncertain based on ACMP/AMP criteria applied as specified by the CDH1 Variant Curation Expert Panel (Variant Interpretation Guidelines Version 3.1): BS2_supporting.

Ambry Genetics
Classification: Likely benign for Hereditary cancer-predisposing syndrome. Last evaluated: 2025-10-03. Review status: criteria provided, single submitter. Criteria: Ambry Variant Classification Scheme 2023. Collection method: clinical testing. Allele origin: germline. Not counted in ClinVar's aggregate classification.

Labcorp Genetics (formerly Invitae), Labcorp
Classification: Uncertain significance for Hereditary diffuse gastric adenocarcinoma. Last evaluated: 2025-09-12. Review status: criteria provided, single submitter. Criteria: Invitae Variant Classification Sherloc (09022015). Collection method: clinical testing. Allele origin: germline. Not counted in ClinVar's aggregate classification.
Comment: This sequence change falls in intron 1 of the CDH1 gene. It does not directly change the encoded amino acid sequence of the CDH1 protein. It affects a nucleotide within the consensus splice site. This variant is not present in population databases (gnomAD no frequency). This variant has not been reported in the literature in individuals affected with CDH1-related conditions. ClinVar contains an entry for this variant (Variation ID: 421050). Variants that disrupt the consensus splice site are a relatively common cause of aberrant splicing (PMID: 17576681, 9536098). Studies have shown that this variant is associated with inconclusive levels of altered splicing (internal data). In summary, the available evidence is currently insufficient to determine the role of this variant in disease. Therefore, it has been classified as a Variant of Uncertain Significance.

Baylor Genetics
Classification: Uncertain significance for Familial cancer of breast. Last evaluated: 2022-07-19. Review status: criteria provided, single submitter. Criteria: ACMG Guidelines, 2015. Collection method: clinical testing. Allele origin: unknown. Not counted in ClinVar's aggregate classification.

Color Diagnostics, LLC DBA Color Health
Classification: Uncertain significance for Hereditary cancer-predisposing syndrome. Last evaluated: 2022-05-10. Review status: criteria provided, single submitter. Criteria: ACMG Guidelines, 2015. Collection method: clinical testing. Allele origin: germline. Not counted in ClinVar's aggregate classification.
Comment: This variant causes a C to A nucleotide substitution at the -3 position of intron 1 of the CDH1 gene. Splice site prediction tools suggest that this variant may have a significant impact on RNA splicing. However, this prediction has not been confirmed in published RNA studies. This variant has not been reported in individuals affected with hereditary cancer in the literature. This variant has not been identified in the general population by the Genome Aggregation Database (gnomAD). The available evidence is insufficient to determine the role of this variant in disease conclusively. Therefore, this variant is classified as a Variant of Uncertain Significance.

GeneDx
Classification: Uncertain significance. Last evaluated: 2016-04-27. Review status: criteria provided, single submitter. Criteria: GeneDx Variant Classification (06012015). Collection method: clinical testing. Allele origin: germline. Affected: yes. Not counted in ClinVar's aggregate classification.
Comment: This variant is denoted CDH1 c.49-3C>A or IVS1-3C>A and consists of a C>A nucleotide substitution at the -3 position of intron 1 of the CDH1 gene. Multiple in silico models predict this variant may disrupt the nearby natural splice acceptor site and to possibly cause abnormal gene splicing; however, in the absence of RNA or functional studies, the actual effect of this variant is unknown. This variant has not, to our knowledge, been published in the literature as pathogenic or benign. CDH1 c.49-3C>A was not observed in approximately 4,900 individuals of European and African American ancestry in the NHLBI Exome Sequencing Project, suggesting it is not a common benign variant in these populations. The cytosine (C) nucleotide that is altered is conserved among mammals. Based on currently available information, it is unclear whether CDH1 c.49-3C>A is pathogenic or benign. We consider it to be a variant of uncertain significance.

Literature cited by the submitters: PubMed 17576681 (cited by Labcorp Genetics (formerly Invitae), Labcorp); PubMed 9536098 (cited by Labcorp Genetics (formerly Invitae), Labcorp).